The following is an entry in ClinVar:

ClinVar aggregate classification (germline): Uncertain significance. Review status: criteria provided, multiple submitters, no conflicts (2 of 4 stars). 2 submissions from 2 submitters: Uncertain significance (2). Last evaluated 2026-06-24.

Conditions:
PKD1-related disorder. Also called: PKD1-related condition.

gnomAD v4.1: 3 of 1,609,710 alleles (0.00019%); highest among the groups gnomAD compares: Non-Finnish European, 0.00025%; no homozygotes.

Submissions (2):

Women's Health and Genetics/Laboratory Corporation of America, LabCorp
Classification: Uncertain significance. Last evaluated: 2026-06-24. Review status: criteria provided, single submitter. Criteria: LabCorp Variant Classification Summary - May 2015. Collection method: clinical testing. Allele origin: germline.
Comment: Variant summary: PKD1 c.2656C>T (p.Pro886Ser) results in a non-conservative amino acid change in the encoded protein sequence. Algorithms developed to predict the effect of missense changes on protein structure and function are either unavailable or do not agree on the potential impact of this missense change. The variant was absent in 245394 control chromosomes. The available data on variant occurrences in the general population are insufficient to allow any conclusion about variant significance. To our knowledge, no occurrence of c.2656C>T in individuals affected with PKD1-related conditions and no experimental evidence demonstrating its impact on protein function have been reported. No submitters have cited clinical-significance assessments for this variant to ClinVar. Based on the evidence outlined above, the variant was classified as uncertain significance.

PreventionGenetics, part of Exact Sciences
Classification: Uncertain significance for PKD1-related condition. Last evaluated: 2025-01-29. Review status: criteria provided, single submitter. Criteria: ACMG Guidelines, 2015. Collection method: clinical testing. Allele origin: germline.
Comment: The PKD1 c.2656C>T variant is predicted to result in the amino acid substitution p.Pro886Ser. To our knowledge, this variant has not been reported in the literature or in a large population database (gnomAD), indicating this variant is rare. At this time, the clinical significance of this variant is uncertain due to the absence of conclusive functional and genetic evidence.

NM_001009944.3(PKD1):c.2656C>T (p.Pro886Ser)

Gene: PKD1 (polycystin 1, transient receptor potential channel interacting; minus strand). Cytogenetic location: 16p13.3.
Variant type: single nucleotide variant.
Coding change: c.2656C>T on transcript NM_001009944.3 (MANE Select); coding-DNA position 2656, C replaced by T.
Protein change: p.Pro886Ser; replaces proline 886 with serine.
Molecular consequence: missense variant.
Genome position (GRCh38, 1-based): chr16:2,114,367, G>A on the plus strand (C>T on the coding strand, the complement: PKD1 is on the minus strand). VCF-style: chr16-2114367-G-A. GRCh37 (hg19) VCF-style: chr16-2164368-G-A.
Other names: c.2656C>T, p.Pro886Ser (NM_000296.4); short protein forms P886S.
Identifiers: ClinVar variation 4887707 (VCV004887707.2).
Genomic context (GRCh38, chr16:2,114,367, plus strand): 5'-CCCCCTCACTGAGCCACGGCAGTGCTACCACTGAGAACAGGGTATCGTTGGTCTCCCAGG[G>A]GCAGCCGGGCACGAAGGTGGCCACCAGGGCAGGGCAGACATTCTCAAAGCGGGCGCTGAC-3'
Protein context (NP_001009944.3, residues 876-896): ALVATFVPGC[Pro886Ser]WETNDTLFSV